The following is an entry in ClinVar:

ClinVar aggregate classification (germline): Likely pathogenic (1 of 4 stars; one submission).

Allele frequency attached by ClinVar (database versions not stated): gnomAD 0.00001; TOPMed 0.00001.
gnomAD v4.1: 26 of 1,609,342 alleles (0.0016%); highest among the groups gnomAD compares: Non-Finnish European, 0.0021%; no homozygotes.

Submission:

Labcorp Genetics (formerly Invitae), Labcorp
Classification: Likely pathogenic. Last evaluated: 2022-12-07. Review status: criteria provided, single submitter. Criteria: Invitae Variant Classification Sherloc (09022015). Collection method: clinical testing. Allele origin: germline.
Comment: This sequence change affects a donor splice site in intron 1 of the MCM3AP gene. It is expected to disrupt RNA splicing. Variants that disrupt the donor or acceptor splice site typically lead to a loss of protein function (PMID: 16199547), and loss-of-function variants in MCM3AP are known to be pathogenic (PMID: 28633435). In summary, the currently available evidence indicates that the variant is pathogenic, but additional data are needed to prove that conclusively. Therefore, this variant has been classified as Likely Pathogenic. Algorithms developed to predict the effect of sequence changes on RNA splicing suggest that this variant may disrupt the consensus splice site. This variant has not been reported in the literature in individuals affected with MCM3AP-related conditions. This variant is present in population databases (no rsID available, gnomAD 0.007%).

Literature cited by the submitters: PubMed 16199547; PubMed 28633435.

NM_003906.5(MCM3AP):c.1219+1G>T

Gene: MCM3AP (minichromosome maintenance complex component 3 associated protein; minus strand). Cytogenetic location: 21q22.3.
Variant type: single nucleotide variant.
Coding change: c.1219+1G>T on transcript NM_003906.5 (MANE Select); the canonical splice donor site of the intron after coding-DNA position 1219, G replaced by T.
Molecular consequence: splice donor variant.
Genome position (GRCh38, 1-based): chr21:46,284,067, C>A on the plus strand (G>T on the coding strand, the complement: MCM3AP is on the minus strand). VCF-style: chr21-46284067-C-A. GRCh37 (hg19) VCF-style: chr21-47703981-C-A.
Identifiers: ClinVar variation 1936493 (VCV001936493.5), dbSNP rs1424890599, ClinGen allele CA410532405.
Genomic context (GRCh38, chr21:46,284,067, plus strand): 5'-AGAAACGTATTGAAAACCTGCCTGCAGGATTTACTCTATGTGCTACATTTTCAGAGCTCA[C>A]CTTCTTTCTTCTCTCTACTTTCAGTTTCTTCCTCTTTATTCACACCTGGAATCCGGGAAG-3'